The following is an entry in ClinVar:

NM_006129.5(BMP1):c.1757G>A (p.Arg586His)

Genes: BMP1 (bone morphogenetic protein 1; plus strand), LOC113788269 (BRD4-independent group 4 enhancer GRCh37_chr8:22052064-22053263; plus strand). Cytogenetic location: 8p21.3.
Variant type: single nucleotide variant.
Coding change: c.1757G>A on transcript NM_006129.5 (MANE Select); coding-DNA position 1757, G replaced by A.
Protein change: p.Arg586His; replaces arginine 586 with histidine.
Molecular consequence: missense variant. On other transcripts: non-coding transcript variant (2).
Genome position (GRCh38, 1-based): chr8:22,195,579, G>A. VCF-style: chr8-22195579-G-A. GRCh37 (hg19) VCF-style: chr8-22053092-G-A.
Other names: c.1757G>A, p.Arg586His (NM_001199.4); short protein forms R586H.
Identifiers: ClinVar variation 2577068 (VCV002577068.2), dbSNP rs755936351, ClinGen allele CA4664775.
Genomic context (GRCh38, chr8:22,195,579, plus strand): 5'-CCCTGGGCAGCTACAAGTGCAGCTGTGACCCCGGGTACGAGCTGGCCCCAGACAAGCGCC[G>A]CTGTGAGGGTGAGTGCCCCCAGACTGCCTCTGACCCTGTTCTTTCCCTGGCACCAGCCCA-3'
Protein context (NP_006120.1, residues 576-596): PGYELAPDKR[Arg586His]CEAACGGFLT

ClinVar aggregate classification (germline): Uncertain significance. Review status: criteria provided, multiple submitters, no conflicts (2 of 4 stars). 2 submissions from 2 submitters: Uncertain significance (2). Last evaluated 2023-12-26.

Submissions (2):

Labcorp Genetics (formerly Invitae), Labcorp
Classification: Uncertain significance. Last evaluated: 2023-12-26. Review status: criteria provided, single submitter. Criteria: Invitae Variant Classification Sherloc (09022015). Collection method: clinical testing. Allele origin: germline.
Comment: This sequence change replaces arginine, which is basic and polar, with histidine, which is basic and polar, at codon 586 of the BMP1 protein (p.Arg586His). This variant is present in population databases (rs755936351, gnomAD 0.02%). This variant has not been reported in the literature in individuals affected with BMP1-related conditions. ClinVar contains an entry for this variant (Variation ID: 2577068). Advanced modeling of protein sequence and biophysical properties (such as structural, functional, and spatial information, amino acid conservation, physicochemical variation, residue mobility, and thermodynamic stability) performed at Invitae indicates that this missense variant is not expected to disrupt BMP1 protein function with a negative predictive value of 80%. In summary, the available evidence is currently insufficient to determine the role of this variant in disease. Therefore, it has been classified as a Variant of Uncertain Significance.

Women's Health and Genetics/Laboratory Corporation of America, LabCorp
Classification: Uncertain significance. Last evaluated: 2023-07-28. Review status: criteria provided, single submitter. Criteria: LabCorp Variant Classification Summary - May 2015. Collection method: clinical testing. Allele origin: germline.
Comment: Variant summary: BMP1 c.1757G>A (p.Arg586His) results in a non-conservative amino acid change in the encoded protein sequence. Three of five in-silico tools predict a damaging effect of the variant on protein function. The variant allele was found at a frequency of 2.8e-05 in 246456 control chromosomes. The available data on variant occurrences in the general population are insufficient to allow any conclusion about variant significance. c.1757G>A has been reported in the literature in individuals affected with Osteogenesis Imperfecta, without evidence of causality (Nagaoka_2021). This report does not provide unequivocal conclusions about association of the variant with Osteogenesis Imperfecta. To our knowledge, no experimental evidence demonstrating an impact on protein function has been reported. The following publication have been ascertained in the context of this evaluation (PMID: 33452237). No submitters have cited clinical-significance assessments for this variant to ClinVar after 2014. Based on the evidence outlined above, the variant was classified as uncertain significance.

Literature cited by the submitters: PubMed 33452237 (cited by Women's Health and Genetics/Laboratory Corporation of America, LabCorp).